The following is an entry in ClinVar:

ClinVar aggregate classification (germline): Benign. Review status: criteria provided, single submitter (1 of 4 stars). 2 submissions from 1 submitter: Benign (2). Last evaluated 2018-01-13.

Conditions:
Charcot-Marie-Tooth disease axonal type 2L. Also called: Charcot-Marie-Tooth Neuropathy Type 2L; CHARCOT-MARIE-TOOTH DISEASE, AXONAL, AUTOSOMAL DOMINANT, TYPE 2L; CHARCOT-MARIE-TOOTH NEUROPATHY, AXONAL, TYPE 2L. Identifiers: Orphanet 99945, MedGen C1837552, MONDO:0012096, OMIM 608673.
Neuronopathy, distal hereditary motor, type 2A. Also called: CHARCOT-MARIE-TOOTH DISEASE, SPINAL, IIA; NEURONOPATHY, DISTAL HEREDITARY MOTOR, AUTOSOMAL DOMINANT 2; NEURONOPATHY, DISTAL HEREDITARY MOTOR, HARDING TYPE IIA; NEUROPATHY, DISTAL HEREDITARY MOTOR, HARDING TYPE IIA; SPINAL MUSCULAR ATROPHY, DISTAL, ADULT, AUTOSOMAL DOMINANT, HARDING TYPE IIA; HMN IIA. Identifiers: Orphanet 139525, MedGen C1834692, MONDO:0008025, OMIM 158590.

Allele frequency attached by ClinVar (database versions not stated): 1000 Genomes Project 30x 0.00937; 1000 Genomes Project 0.00938; TOPMed 0.01128.
gnomAD v4.1: 1,580 of 160,882 alleles (0.98%); highest among the groups gnomAD compares: African/African-American, 3.6%; 23 homozygotes.

Submissions (2):

Illumina Laboratory Services, Illumina
Classification: Benign for Charcot-Marie-Tooth disease axonal type 2L. Last evaluated: 2018-01-13. Review status: criteria provided, single submitter. Criteria: ICSL Variant Classification Criteria 13 December 2019. Collection method: clinical testing. Allele origin: germline.
Comment: This variant was observed in the ICSL laboratory as part of a predisposition screen in an ostensibly healthy population. It had not been previously curated by ICSL or reported in the Human Gene Mutation Database (HGMD: prior to June 1st, 2018), and was therefore a candidate for classification through an automated scoring system. Utilizing variant allele frequency, disease prevalence and penetrance estimates, and inheritance mode, an automated score was calculated to assess if this variant is too frequent to cause the disease. Based on the score and internal cut-off values, a variant classified as benign is not then subjected to further curation. The score for this variant resulted in a classification of benign for this disease.

Illumina Laboratory Services, Illumina
Classification: Benign for Neuronopathy, distal hereditary motor, type 2A. Last evaluated: 2018-01-13. Review status: criteria provided, single submitter. Criteria: ICSL Variant Classification Criteria 13 December 2019. Collection method: clinical testing. Allele origin: germline.
Comment: the same text as in the submission from Illumina Laboratory Services, Illumina above.

NM_014365.3(HSPB8):c.*616C>G

Gene: HSPB8 (heat shock protein family B (small) member 8; plus strand). Cytogenetic location: 12q24.23.
Variant type: single nucleotide variant.
Coding change: c.*616C>G on transcript NM_014365.3 (MANE Select); 616 bases downstream of the stop codon, C replaced by G.
Molecular consequence: 3 prime UTR variant.
Genome position (GRCh38, 1-based): chr12:119,194,474, C>G. VCF-style: chr12-119194474-C-G. GRCh37 (hg19) VCF-style: chr12-119632279-C-G.
Identifiers: ClinVar variation 307424 (VCV000307424.5), dbSNP rs6413487, ClinGen allele CA10636609.